The following is an entry in ClinVar:

NM_000268.4(NF2):c.1059G>C (p.Arg353Ser)

Gene: NF2 (NF2, moesin-ezrin-radixin like (MERLIN) tumor suppressor; plus strand). Cytogenetic location: 22q12.2.
Variant type: single nucleotide variant.
Coding change: c.1059G>C on transcript NM_000268.4 (MANE Select); coding-DNA position 1059, G replaced by C.
Protein change: p.Arg353Ser; replaces arginine 353 with serine.
Molecular consequence: missense variant. On other transcripts: non-coding transcript variant (1), intron variant (1).
Genome position (GRCh38, 1-based): chr22:29,671,885, G>C. VCF-style: chr22-29671885-G-C. GRCh37 (hg19) VCF-style: chr22-30067874-G-C.
Other names: c.1059G>C, p.Arg353Ser (NM_016418.5, NM_181825.3, NM_181832.3); c.933G>C, p.Arg311Ser (NM_181828.3); c.936G>C, p.Arg312Ser (NM_181829.3); c.810G>C, p.Arg270Ser (NM_181830.3, NM_181831.3); c.448-22867G>C (NM_181833.3); short protein forms R353S, R311S, R270S, R312S.
Identifiers: ClinVar variation 585000 (VCV000585000.10), dbSNP rs1379674036, ClinGen allele CA411146942.

ClinVar aggregate classification (germline): Uncertain significance. Review status: criteria provided, multiple submitters, no conflicts (2 of 4 stars). 4 submissions from 4 submitters: Uncertain significance (4). Last evaluated 2024-04-10.

Conditions:
Hereditary cancer-predisposing syndrome. Also called: Tumor predisposition; Neoplastic Syndromes, Hereditary; Hereditary neoplastic syndrome; Hereditary Cancer Syndrome. Identifiers: Orphanet 140162, MedGen C0027672, MeSH D009386, MONDO:0015356.
Neurofibromatosis, type 2 (SWNV). Also called: NF2-Related Schwannomatosis; BILATERAL ACOUSTIC NEUROFIBROMATOSIS; SCHWANNOMATOSIS, VESTIBULAR. Identifiers: Orphanet 637, MedGen C0027832, MONDO:0007039, OMIM 101000. Disease mechanism: loss of function.

Allele frequency attached by ClinVar (database versions not stated): TOPMed 0.00001.

Submissions (4):

Labcorp Genetics (formerly Invitae), Labcorp
Classification: Uncertain significance for Neurofibromatosis, type 2. Last evaluated: 2024-04-10. Review status: criteria provided, single submitter. Criteria: Invitae Variant Classification Sherloc (09022015). Collection method: clinical testing. Allele origin: germline.
Comment: This sequence change replaces arginine, which is basic and polar, with serine, which is neutral and polar, at codon 353 of the NF2 protein (p.Arg353Ser). This variant is not present in population databases (gnomAD no frequency). This variant has not been reported in the literature in individuals affected with NF2-related conditions. ClinVar contains an entry for this variant (Variation ID: 585000). Advanced modeling of protein sequence and biophysical properties (such as structural, functional, and spatial information, amino acid conservation, physicochemical variation, residue mobility, and thermodynamic stability) performed at Invitae indicates that this missense variant is not expected to disrupt NF2 protein function with a negative predictive value of 80%. In summary, the available evidence is currently insufficient to determine the role of this variant in disease. Therefore, it has been classified as a Variant of Uncertain Significance.

Genome-Nilou Lab
Classification: Uncertain significance for Neurofibromatosis, type 2. Last evaluated: 2021-11-07. Review status: criteria provided, single submitter. Criteria: ACMG Guidelines, 2015. Collection method: clinical testing. Allele origin: germline. Affected: no.

Ambry Genetics
Classification: Uncertain significance for Hereditary cancer-predisposing syndrome. Last evaluated: 2019-08-27. Review status: criteria provided, single submitter. Criteria: Ambry Variant Classification Scheme 2023. Collection method: clinical testing. Allele origin: germline.
Comment: The p.R353S variant (also known as c.1059G>C), located in coding exon 11 of the NF2 gene, results from a G to C substitution at nucleotide position 1059. The arginine at codon 353 is replaced by serine, an amino acid with dissimilar properties. This amino acid position is well conserved in available vertebrate species. In addition, the in silico prediction for this alteration is inconclusive. Since supporting evidence is limited at this time, the clinical significance of this alteration remains unclear.

Mendelics
Classification: Uncertain significance for Neurofibromatosis, type 2. Last evaluated: 2018-07-02. Review status: criteria provided, single submitter. Criteria: Mendelics Assertion Criteria 2017. Collection method: clinical testing. Allele origin: unknown.